The following is an entry in ClinVar:

ClinVar aggregate classification (germline): Uncertain significance (1 of 4 stars; one submission).

Conditions:
Congenital multicore myopathy with external ophthalmoplegia (CMYO1B). Also called: Congenital myopathy 1B, autosomal recessive; Minicore myopathy; Minicore myopathy with external ophthalmoplegia; MULTIMINICORE DISEASE WITH EXTERNAL OPHTHALMOPLEGIA; MULTICORE MYOPATHY. Identifiers: Orphanet 598, Orphanet 98905, MedGen C1850674, MONDO:0009712, OMIM 255320, HP:0003789.

gnomAD v4.1: 2 of 1,610,842 alleles (0.00012%); highest among the groups gnomAD compares: Non-Finnish European, 0.00017%; no homozygotes.

Submission:

Neuberg Centre For Genomic Medicine, NCGM
Classification: Uncertain significance for Congenital multicore myopathy with external ophthalmoplegia. Review status: criteria provided, single submitter. Criteria: ACMG Guidelines, 2015. Collection method: clinical testing. Allele origin: germline. Inheritance: Autosomal recessive inheritance. Affected: yes.
Comment: The observed missense variant c.7841T>G(p.Ile2614Ser) in RYR1 gene has not been reported previously as a pathogenic variant nor as a benign variant, to our knowledge. This variant is absent in gnomAD Exomes. The amino acid Ile at position 2614 is changed to a Ser changing protein sequence and it might alter its composition and physico-chemical properties. Multiple lines of computational evidence (Polyphen - Possibly Damaging, SIFT - Damaging, and MutationTaster - Disease causing) predict a damaging effect on protein structure and function for this variant. The amino acid change p.Tyr1050Cys in RYR1 is predicted as conserved by GERP++ and PhyloP across 100 vertebrates. For these reasons, this variant has been classified as uncertain significance.

NM_000540.3(RYR1):c.7841T>G (p.Ile2614Ser)

Gene: RYR1 (ryanodine receptor 1; plus strand). Cytogenetic location: 19q13.2.
Variant type: single nucleotide variant.
Coding change: c.7841T>G on transcript NM_000540.3 (MANE Select); coding-DNA position 7841, T replaced by G.
Protein change: p.Ile2614Ser; replaces isoleucine 2614 with serine.
Molecular consequence: missense variant.
Genome position (GRCh38, 1-based): chr19:38,502,885, T>G. VCF-style: chr19-38502885-T-G. GRCh37 (hg19) VCF-style: chr19-38993525-T-G.
Other names: c.7841T>G, p.Ile2614Ser (NM_001042723.2); short protein forms I2614S.
Identifiers: ClinVar variation 3731509 (VCV003731509.1).